The following is an entry in ClinVar:

ClinVar aggregate classification (germline): Uncertain significance (1 of 4 stars; one submission).

Conditions:
Cardiovascular phenotype. Identifiers: MedGen CN230736.

Submission:

Ambry Genetics
Classification: Uncertain significance for Cardiovascular phenotype. Last evaluated: 2025-05-18. Review status: criteria provided, single submitter. Criteria: Ambry Variant Classification Scheme 2023. Collection method: clinical testing. Allele origin: germline.
Comment: The p.V1682A variant (also known as c.5045T>C), located in coding exon 13 of the TNXB gene, results from a T to C substitution at nucleotide position 5045. The valine at codon 1682 is replaced by alanine, an amino acid with similar properties. This amino acid position is conserved. In addition, this alteration is predicted to be tolerated by in silico analysis. Based on the available evidence, the clinical significance of this variant remains unclear.

NM_001365276.2(TNXB):c.5045T>C (p.Val1682Ala)

Gene: TNXB (tenascin XB; minus strand). Cytogenetic location: 6p21.33.
Variant type: single nucleotide variant.
Coding change: c.5045T>C on transcript NM_001365276.2 (MANE Select); coding-DNA position 5045, T replaced by C.
Protein change: p.Val1682Ala; replaces valine 1682 with alanine.
Molecular consequence: missense variant.
Genome position (GRCh38, 1-based): chr6:32,070,360, A>G on the plus strand (T>C on the coding strand, the complement: TNXB is on the minus strand). VCF-style: chr6-32070360-A-G. GRCh37 (hg19) VCF-style: chr6-32038137-A-G.
Other names: c.5786T>C, p.Val1929Ala (NM_001428335.1); c.5045T>C, p.Val1682Ala (NM_019105.8); short protein forms V1682A, V1929A.
Identifiers: ClinVar variation 3972029 (VCV003972029.1).